The following is an entry in ClinVar:

NM_006031.6(PCNT):c.3336A>C (p.Leu1112Phe)

Gene: PCNT (pericentrin; plus strand). Cytogenetic location: 21q22.3.
Variant type: single nucleotide variant.
Coding change: c.3336A>C on transcript NM_006031.6 (MANE Select); coding-DNA position 3336, A replaced by C.
Protein change: p.Leu1112Phe; replaces leucine 1112 with phenylalanine.
Molecular consequence: missense variant.
Genome position (GRCh38, 1-based): chr21:46,385,855, A>C. VCF-style: chr21-46385855-A-C. GRCh37 (hg19) VCF-style: chr21-47805770-A-C.
Other names: c.2982A>C, p.Leu994Phe (NM_001315529.2); short protein forms L1112F, L994F.
Identifiers: ClinVar variation 1716208 (VCV001716208.3), dbSNP rs1202956778, ClinGen allele CA410574261.

ClinVar aggregate classification (germline): Uncertain significance (1 of 4 stars; one submission).

Submission:

Labcorp Genetics (formerly Invitae), Labcorp
Classification: Uncertain significance. Last evaluated: 2022-08-12. Review status: criteria provided, single submitter. Criteria: Invitae Variant Classification Sherloc (09022015). Collection method: clinical testing. Allele origin: germline.
Comment: This sequence change replaces leucine, which is neutral and non-polar, with phenylalanine, which is neutral and non-polar, at codon 1112 of the PCNT protein (p.Leu1112Phe). This variant is not present in population databases (gnomAD no frequency). This variant has not been reported in the literature in individuals affected with PCNT-related conditions. Algorithms developed to predict the effect of missense changes on protein structure and function are either unavailable or do not agree on the potential impact of this missense change (SIFT: "Deleterious"; PolyPhen-2: "Possibly Damaging"; Align-GVGD: "Class C15"). In summary, the available evidence is currently insufficient to determine the role of this variant in disease. Therefore, it has been classified as a Variant of Uncertain Significance.